The following is an entry in ClinVar:

NM_001035.3(RYR2):c.1772A>G (p.Glu591Gly)

Gene: RYR2 (ryanodine receptor 2; plus strand). Cytogenetic location: 1q43.
Variant type: single nucleotide variant.
Coding change: c.1772A>G on transcript NM_001035.3 (MANE Select); coding-DNA position 1772, A replaced by G.
Protein change: p.Glu591Gly; replaces glutamic acid 591 with glycine.
Molecular consequence: missense variant.
Genome position (GRCh38, 1-based): chr1:237,491,869, A>G. VCF-style: chr1-237491869-A-G. GRCh37 (hg19) VCF-style: chr1-237655169-A-G.
Other names: short protein forms E591G.
Identifiers: ClinVar variation 2962545 (VCV002962545.3), dbSNP rs1331795032, ClinGen allele CA345388039.

ClinVar aggregate classification (germline): Uncertain significance (1 of 4 stars; one submission).

Conditions:
Catecholaminergic polymorphic ventricular tachycardia 1. Also called: VENTRICULAR TACHYCARDIA, CATECHOLAMINERGIC POLYMORPHIC, 1, WITH OR WITHOUT ATRIAL DYSFUNCTION AND/OR DILATED CARDIOMYOPATHY; RYR2-Related Catecholaminergic Polymorphic Ventricular Tachycardia; VENTRICULAR TACHYCARDIA, STRESS-INDUCED POLYMORPHIC 1. Identifiers: Orphanet 3286, MedGen C1631597, MONDO:0011484, OMIM 604772.

Allele frequency attached by ClinVar (database versions not stated): TOPMed below 0.00001.

Submission:

Labcorp Genetics (formerly Invitae), Labcorp
Classification: Uncertain significance for Catecholaminergic polymorphic ventricular tachycardia 1. Last evaluated: 2023-09-22. Review status: criteria provided, single submitter. Criteria: Invitae Variant Classification Sherloc (09022015). Collection method: clinical testing. Allele origin: germline.
Comment: This variant has not been reported in the literature in individuals affected with RYR2-related conditions. In summary, the available evidence is currently insufficient to determine the role of this variant in disease. Therefore, it has been classified as a Variant of Uncertain Significance. Advanced modeling of protein sequence and biophysical properties (such as structural, functional, and spatial information, amino acid conservation, physicochemical variation, residue mobility, and thermodynamic stability) performed at Invitae indicates that this missense variant is expected to disrupt RYR2 protein function. This variant is not present in population databases (gnomAD no frequency). This sequence change replaces glutamic acid, which is acidic and polar, with glycine, which is neutral and non-polar, at codon 591 of the RYR2 protein (p.Glu591Gly).